The following is an entry in ClinVar:

NM_000540.3(RYR1):c.2522C>T (p.Pro841Leu)

Gene: RYR1 (ryanodine receptor 1; plus strand). Cytogenetic location: 19q13.2.
Variant type: single nucleotide variant.
Coding change: c.2522C>T on transcript NM_000540.3 (MANE Select); coding-DNA position 2522, C replaced by T.
Protein change: p.Pro841Leu; replaces proline 841 with leucine.
Molecular consequence: missense variant.
Genome position (GRCh38, 1-based): chr19:38,460,536, C>T. VCF-style: chr19-38460536-C-T. GRCh37 (hg19) VCF-style: chr19-38951176-C-T.
Other names: c.2522C>T, p.Pro841Leu (NM_001042723.2); short protein forms P841L.
Identifiers: ClinVar variation 1035540 (VCV001035540.7), dbSNP rs368051427, ClinGen allele CA063373.

ClinVar aggregate classification (germline): Uncertain significance. Review status: criteria provided, multiple submitters, no conflicts (2 of 4 stars). 2 submissions from 2 submitters: Uncertain significance (2). Last evaluated 2023-11-14.

Conditions:
Malignant hyperthermia, susceptibility to, 1 (MHS1). Also called: RYR1-Related Malignant Hyperthermia Susceptibility; Malignant hyperthermia suceptibility 1; Anesthesia related hyperthermia; Malignant hyperpyrexia; Fulminating hyperpyrexia; Pharmacogenic myopathy. Identifiers: Orphanet 423, MedGen C2930980, MONDO:0007783, OMIM 145600.
RYR1-related disorder. Also called: RYR1-related condition; RYR1-related disorders. Identifiers: MedGen CN239331.

Allele frequency attached by ClinVar (database versions not stated): gnomAD exomes below 0.00001 and 0.00002; gnomAD 0.00001; TOPMed 0.00001; ExAC 0.00002; ESP Exome Variant Server 0.00008.

Submissions (2):

Labcorp Genetics (formerly Invitae), Labcorp
Classification: Uncertain significance for RYR1-related disorder. Last evaluated: 2023-11-14. Review status: criteria provided, single submitter. Criteria: Invitae Variant Classification Sherloc (09022015). Collection method: clinical testing. Allele origin: germline.
Comment: This sequence change replaces proline, which is neutral and non-polar, with leucine, which is neutral and non-polar, at codon 841 of the RYR1 protein (p.Pro841Leu). This variant is present in population databases (rs368051427, gnomAD 0.03%). This variant has not been reported in the literature in individuals affected with RYR1-related conditions. ClinVar contains an entry for this variant (Variation ID: 1035540). Advanced modeling of protein sequence and biophysical properties (such as structural, functional, and spatial information, amino acid conservation, physicochemical variation, residue mobility, and thermodynamic stability) performed at Invitae indicates that this missense variant is expected to disrupt RYR1 protein function with a positive predictive value of 95%. In summary, the available evidence is currently insufficient to determine the role of this variant in disease. Therefore, it has been classified as a Variant of Uncertain Significance.

All of Us Research Program, National Institutes of Health
Classification: Uncertain significance for Malignant hyperthermia, susceptibility to, 1. Last evaluated: 2023-06-15. Review status: criteria provided, single submitter. Criteria: ACMG Guidelines, 2015. Collection method: clinical testing. Allele origin: germline. Inheritance: Autosomal dominant inheritance. Observed: 1 variant allele, 1 heterozygote.
Comment: This study involves interpretation of variants in research participants for the purpose of population health screening. Participant phenotype was not available at the time of variant classification. Additional details can be found in publication PMID: 35346344, PMCID: PMC8962531